The following is an entry in ClinVar:

NM_003500.4(ACOX2):c.1566G>A (p.Thr522=)

Gene: ACOX2 (acyl-CoA oxidase 2; minus strand). Cytogenetic location: 3p14.3.
Variant type: single nucleotide variant.
Coding change: c.1566G>A on transcript NM_003500.4 (MANE Select); coding-DNA position 1566, G replaced by A.
Protein change: p.Thr522=; no amino-acid change (threonine 522 retained).
Molecular consequence: synonymous variant.
Genome position (GRCh38, 1-based): chr3:58,522,562, C>T on the plus strand (G>A on the coding strand, the complement: ACOX2 is on the minus strand). VCF-style: chr3-58522562-C-T. GRCh37 (hg19) VCF-style: chr3-58508289-C-T.
Identifiers: ClinVar variation 4986834 (VCV004986834.1).

ClinVar aggregate classification (germline): Likely benign (1 of 4 stars; one submission).

Conditions:
ACOX2-related disorder. Also called: ACOX2-related condition.

gnomAD v4.1: 30 of 1,614,030 alleles (0.0019%); highest among the groups gnomAD compares: Non-Finnish European, 0.0025%; no homozygotes.

Submission:

PreventionGenetics, part of Exact Sciences
Classification: Likely benign for ACOX2-related condition. Last evaluated: 2026-03-20. Review status: criteria provided, single submitter. Criteria: ACMG Guidelines, 2015. Collection method: clinical testing. Allele origin: germline.
Comment: This variant is classified as likely benign based on ACMG/AMP sequence variant interpretation guidelines (Richards et al. 2015 PMID: 25741868, with internal and published modifications).